The following is an entry in ClinVar:

NM_001256447.2(BCAP31):c.400G>T (p.Glu134Ter)

Gene: BCAP31 (B cell receptor associated protein 31; minus strand). Cytogenetic location: Xq28.
Variant type: single nucleotide variant.
Coding change: c.400G>T on transcript NM_001256447.2 (MANE Select); coding-DNA position 400, G replaced by T.
Protein change: p.Glu134Ter; replaces glutamic acid 134 with a stop codon.
Molecular consequence: nonsense.
Genome position (GRCh38, 1-based): chrX:153,704,036, C>A on the plus strand (G>T on the coding strand, the complement: BCAP31 is on the minus strand). VCF-style: chrX-153704036-C-A. GRCh37 (hg19) VCF-style: chrX-152969491-C-A.
Other names: c.400G>T, p.Glu134Ter (NM_001139441.1, NM_005745.8); c.601G>T, p.Glu201Ter (NM_001139457.2); short protein forms E134*, E201*.
Identifiers: ClinVar variation 3646779 (VCV003646779.2).
Genomic context (GRCh38, chrX:153,704,036, plus strand): 5'-TCTCCTCCATGTACTTCTTGGCCGCCTCACTAGCACTCTCCGCCTGCTTTTTAAAGGCTT[C>A]ATTGGAGGCCAGCAGCGTGGCCTGCTGCGAAATGAGAGTCACCAGGCGTCTAAGCAGGCT-3'

ClinVar aggregate classification (germline): Pathogenic (1 of 4 stars; one submission).

Submission:

Labcorp Genetics (formerly Invitae), Labcorp
Classification: Pathogenic. Last evaluated: 2025-07-10. Review status: criteria provided, single submitter. Criteria: Invitae Variant Classification Sherloc (09022015). Collection method: clinical testing. Allele origin: germline.
Comment: This sequence change creates a premature translational stop signal (p.Glu134*) in the BCAP31 gene. It is expected to result in an absent or disrupted protein product. Loss-of-function variants in BCAP31 are known to be pathogenic (PMID: 24011989). This variant is not present in population databases (gnomAD no frequency). This variant has not been reported in the literature in individuals affected with BCAP31-related conditions. ClinVar contains an entry for this variant (Variation ID: 3646779). For these reasons, this variant has been classified as Pathogenic.

Literature cited by the submitters: PubMed 24011989.